The following is an entry in ClinVar:

ClinVar aggregate classification (germline): Uncertain significance (1 of 4 stars; one submission).

Conditions:
Hereditary spastic paraplegia 73. Also called: Spastic paraplegia 73, autosomal dominant. Identifiers: Orphanet 444099, MedGen C5568981, MONDO:0014568, OMIM 616282.

Allele frequency attached by ClinVar (database versions not stated): ExAC 0.00003; gnomAD exomes 0.00001; gnomAD 0.00003; TOPMed 0.00003.
gnomAD v4.1: 14 of 1,613,286 alleles (0.00087%); highest among the groups gnomAD compares: Admixed American, 0.018%; no homozygotes.

Submission:

Labcorp Genetics (formerly Invitae), Labcorp
Classification: Uncertain significance for Hereditary spastic paraplegia 73. Last evaluated: 2025-02-09. Review status: criteria provided, single submitter. Criteria: Invitae Variant Classification Sherloc (09022015). Collection method: clinical testing. Allele origin: germline.
Comment: This sequence change replaces serine, which is neutral and polar, with proline, which is neutral and non-polar, at codon 178 of the CPT1C protein (p.Ser178Pro). The frequency data for this variant in the population databases is considered unreliable, as metrics indicate poor data quality at this position in the gnomAD database. This variant has not been reported in the literature in individuals affected with CPT1C-related conditions. ClinVar contains an entry for this variant (Variation ID: 2723049). Invitae Evidence Modeling of protein sequence and biophysical properties (such as structural, functional, and spatial information, amino acid conservation, physicochemical variation, residue mobility, and thermodynamic stability) indicates that this missense variant is not expected to disrupt CPT1C protein function with a negative predictive value of 80%. In summary, the available evidence is currently insufficient to determine the role of this variant in disease. Therefore, it has been classified as a Variant of Uncertain Significance.

NM_001199753.2(CPT1C):c.532T>C (p.Ser178Pro)

Gene: CPT1C (carnitine palmitoyltransferase 1C; plus strand). Cytogenetic location: 19q13.33.
Variant type: single nucleotide variant.
Coding change: c.532T>C on transcript NM_001199753.2 (MANE Select); coding-DNA position 532, T replaced by C.
Protein change: p.Ser178Pro; replaces serine 178 with proline.
Molecular consequence: missense variant. On other transcripts: non-coding transcript variant (1).
Genome position (GRCh38, 1-based): chr19:49,701,395, T>C. VCF-style: chr19-49701395-T-C. GRCh37 (hg19) VCF-style: chr19-50204652-T-C.
Other names: c.532T>C, p.Ser178Pro (NM_001136052.3, NM_001199752.3, NM_001378482.1 and 7 more transcripts); short protein forms S178P.
Identifiers: ClinVar variation 2723049 (VCV002723049.3), dbSNP rs749042241, ClinGen allele CA9581825.